The following is an entry in ClinVar:

NM_002470.4(MYH3):c.3859G>A (p.Glu1287Lys)

Gene: MYH3 (myosin heavy chain 3; minus strand). Cytogenetic location: 17p13.1.
Variant type: single nucleotide variant.
Coding change: c.3859G>A on transcript NM_002470.4 (MANE Select); coding-DNA position 3859, G replaced by A.
Protein change: p.Glu1287Lys; replaces glutamic acid 1287 with lysine.
Molecular consequence: missense variant.
Genome position (GRCh38, 1-based): chr17:10,635,851, C>T on the plus strand (G>A on the coding strand, the complement: MYH3 is on the minus strand). VCF-style: chr17-10635851-C-T. GRCh37 (hg19) VCF-style: chr17-10539168-C-T.
Other names: c.3859G>A (NM_002470.3); short protein forms E1287K.
Identifiers: ClinVar variation 2050743 (VCV002050743.6), dbSNP rs371145272, ClinGen allele CA8392371.

ClinVar aggregate classification (germline): Uncertain significance. Review status: criteria provided, multiple submitters, no conflicts (2 of 4 stars). 2 submissions from 2 submitters: Uncertain significance (2). Last evaluated 2025-08-01.

Conditions:
Inborn genetic diseases. Identifiers: MedGen C0950123, MeSH D030342.

Allele frequency attached by ClinVar (database versions not stated): ExAC 0.00001; TOPMed 0.00002; gnomAD 0.00004; gnomAD exomes 0.00007; ESP Exome Variant Server 0.00008.
gnomAD v4.1: 109 of 1,609,140 alleles (0.0068%); highest among the groups gnomAD compares: Non-Finnish European, 0.0083%; no homozygotes.

Submissions (2):

Labcorp Genetics (formerly Invitae), Labcorp
Classification: Uncertain significance. Last evaluated: 2025-08-01. Review status: criteria provided, single submitter. Criteria: Invitae Variant Classification Sherloc (09022015). Collection method: clinical testing. Allele origin: germline.
Comment: This sequence change replaces glutamic acid, which is acidic and polar, with lysine, which is basic and polar, at codon 1287 of the MYH3 protein (p.Glu1287Lys). This variant is present in population databases (rs371145272, gnomAD 0.008%). This variant has not been reported in the literature in individuals affected with MYH3-related conditions. ClinVar contains an entry for this variant (Variation ID: 2050743). An algorithm developed to predict the effect of missense changes on protein structure and function (PolyPhen-2) suggests that this variant is likely to be tolerated. In summary, the available evidence is currently insufficient to determine the role of this variant in disease. Therefore, it has been classified as a Variant of Uncertain Significance.

Ambry Genetics
Classification: Uncertain significance for Inborn genetic diseases. Last evaluated: 2023-06-02. Review status: criteria provided, single submitter. Criteria: Ambry Variant Classification Scheme 2023. Collection method: clinical testing. Allele origin: germline.